The following is an entry in ClinVar:

NM_015001.3(SPEN):c.8277G>A (p.Thr2759=)

Gene: SPEN (spen family transcriptional repressor; plus strand). Cytogenetic location: 1p36.13.
Variant type: single nucleotide variant.
Coding change: c.8277G>A on transcript NM_015001.3 (MANE Select); coding-DNA position 8277, G replaced by A.
Protein change: p.Thr2759=; no amino-acid change (threonine 2759 retained).
Molecular consequence: synonymous variant.
Genome position (GRCh38, 1-based): chr1:15,934,517, G>A. VCF-style: chr1-15934517-G-A. GRCh37 (hg19) VCF-style: chr1-16261012-G-A.
Identifiers: ClinVar variation 3050033 (VCV003050033.7), dbSNP rs200775617, ClinGen allele CA620255.
Genomic context (GRCh38, chr1:15,934,517, plus strand): 5'-GACCGTCACAGCGGGTGCGGTTACTGCTGCATCTGGTGGTGTAACGGCCACAACAGGCAC[G>A]GTGACAATGGCAGGGGCAGTGATTGCGCCGTCAACAAAGTGCAAACAGAGAGCGAGTGCT-3'
Protein context (NP_055816.2, residues 2749-2769): ASGGVTATTG[Thr2759=]VTMAGAVIAP

ClinVar aggregate classification (germline): Likely benign. Review status: criteria provided, multiple submitters, no conflicts (2 of 4 stars). 3 submissions from 3 submitters: Likely benign (2). 1 of the submissions does not count toward it. Last evaluated 2026-04-01.

Conditions:
SPEN-related disorder. Also called: SPEN-related condition.

Allele frequency attached by ClinVar (database versions not stated): ESP Exome Variant Server 0.00008; gnomAD 0.00017; 1000 Genomes Project 30x 0.00094; 1000 Genomes Project 0.00120.
gnomAD v4.1: 209 of 1,614,064 alleles (0.013%); highest among the groups gnomAD compares: South Asian, 0.12%; 1 homozygote.

Submissions (3):

CeGaT Center for Human Genetics Tuebingen
Classification: Likely benign. Last evaluated: 2026-04-01. Review status: criteria provided, single submitter. Criteria: CeGaT Center For Human Genetics Tuebingen Variant Classification Criteria Version 2. Collection method: clinical testing. Allele origin: germline. Affected: yes. Observed: 2 variant alleles.
Comment: SPEN: BP4, BP7

Blueprint Genetics
Classification: Likely benign. Last evaluated: 2024-11-21. Review status: criteria provided, single submitter. Criteria: ACMG Guidelines, 2015. Collection method: clinical testing. Allele origin: germline.

PreventionGenetics, part of Exact Sciences
Classification: Likely benign for SPEN-related condition. Last evaluated: 2019-12-26. Review status: no assertion criteria provided. Collection method: clinical testing. Allele origin: germline. Not counted in ClinVar's aggregate classification.
Comment: This variant is classified as likely benign based on ACMG/AMP sequence variant interpretation guidelines (Richards et al. 2015 PMID: 25741868, with internal and published modifications).